The following is an entry in ClinVar:

ClinVar aggregate classification (germline): Uncertain significance. Review status: criteria provided, multiple submitters, no conflicts (2 of 4 stars). 2 submissions from 2 submitters: Uncertain significance (2). Last evaluated 2026-02-01.

Allele frequency attached by ClinVar (database versions not stated): gnomAD 0.00001; gnomAD exomes 0.00001; TOPMed 0.00002; ExAC 0.00004.
gnomAD v4.1: 17 of 1,614,070 alleles (0.0011%); highest among the groups gnomAD compares: Admixed American, 0.0083%; no homozygotes.

Submissions (2):

Labcorp Genetics (formerly Invitae), Labcorp
Classification: Uncertain significance. Last evaluated: 2026-02-01. Review status: criteria provided, single submitter. Criteria: Invitae Variant Classification Sherloc (09022015). Collection method: clinical testing. Allele origin: germline.
Comment: This sequence change replaces alanine, which is neutral and non-polar, with valine, which is neutral and non-polar, at codon 334 of the SLC16A1 protein (p.Ala334Val). This variant is present in population databases (rs763573918, gnomAD 0.01%). This variant has not been reported in the literature in individuals affected with SLC16A1-related conditions. ClinVar contains an entry for this variant (Variation ID: 2158043). An algorithm developed to predict the effect of missense changes on protein structure and function (PolyPhen-2) suggests that this variant is likely to be disruptive. In summary, the available evidence is currently insufficient to determine the role of this variant in disease. Therefore, it has been classified as a Variant of Uncertain Significance.

Blueprint Genetics
Classification: Uncertain significance. Last evaluated: 2023-11-03. Review status: criteria provided, single submitter. Criteria: ACMG Guidelines, 2015. Collection method: clinical testing. Allele origin: germline.

NM_003051.4(SLC16A1):c.1001C>T (p.Ala334Val)

Gene: SLC16A1 (solute carrier family 16 member 1; minus strand). Cytogenetic location: 1p13.2.
Variant type: single nucleotide variant.
Coding change: c.1001C>T on transcript NM_003051.4 (MANE Select); coding-DNA position 1001, C replaced by T.
Protein change: p.Ala334Val; replaces alanine 334 with valine.
Molecular consequence: missense variant.
Genome position (GRCh38, 1-based): chr1:112,917,405, G>A on the plus strand (C>T on the coding strand, the complement: SLC16A1 is on the minus strand). VCF-style: chr1-112917405-G-A. GRCh37 (hg19) VCF-style: chr1-113460027-G-A.
Other names: c.1001C>T, p.Ala334Val (NM_001166496.2); short protein forms A334V.
Identifiers: ClinVar variation 2158043 (VCV002158043.5), dbSNP rs763573918, ClinGen allele CA1011349.